The following is an entry in ClinVar:

ClinVar aggregate classification (germline): Benign/Likely benign. Review status: criteria provided, multiple submitters, no conflicts (2 of 4 stars). 4 submissions from 4 submitters: Benign (2); Likely benign (1). 1 of the submissions does not count toward it. Last evaluated 2026-01-24.

Conditions:
POLE2-related disorder. Also called: POLE2-related condition.

Allele frequency attached by ClinVar (database versions not stated): gnomAD exomes 0.00083; ExAC 0.00097; 1000 Genomes Project 30x 0.00187; 1000 Genomes Project 0.00200; gnomAD 0.00305 and 0.00325; ESP Exome Variant Server 0.00346.
gnomAD v4.1: 946 of 1,583,400 alleles (0.06%); highest among the groups gnomAD compares: African/African-American, 1%; 7 homozygotes.

Submissions (4):

Labcorp Genetics (formerly Invitae), Labcorp
Classification: Benign. Last evaluated: 2026-01-24. Review status: criteria provided, single submitter. Criteria: Invitae Variant Classification Sherloc (09022015). Collection method: clinical testing. Allele origin: germline.

Blueprint Genetics
Classification: Likely benign. Last evaluated: 2024-11-13. Review status: criteria provided, single submitter. Criteria: ACMG Guidelines, 2015. Collection method: clinical testing. Allele origin: germline.

Breakthrough Genomics
Classification: Benign. Review status: criteria provided, single submitter. Criteria: ACMG Guidelines, 2015. Collection method: not provided. Allele origin: germline. Inheritance: Unknown mechanism. Affected: yes.

PreventionGenetics, part of Exact Sciences
Classification: Benign for POLE2-related condition. Last evaluated: 2019-03-22. Review status: no assertion criteria provided. Collection method: clinical testing. Allele origin: germline. Not counted in ClinVar's aggregate classification.
Comment: This variant is classified as benign based on ACMG/AMP sequence variant interpretation guidelines (Richards et al. 2015 PMID: 25741868, with internal and published modifications).

NM_002692.4(POLE2):c.1366C>G (p.Leu456Val)

Gene: POLE2 (DNA polymerase epsilon 2, accessory subunit; minus strand). Cytogenetic location: 14q21.3.
Variant type: single nucleotide variant.
Coding change: c.1366C>G on transcript NM_002692.4 (MANE Select); coding-DNA position 1366, C replaced by G.
Protein change: p.Leu456Val; replaces leucine 456 with valine.
Molecular consequence: missense variant.
Genome position (GRCh38, 1-based): chr14:49,650,396, G>C on the plus strand (C>G on the coding strand, the complement: POLE2 is on the minus strand). VCF-style: chr14-49650396-G-C. GRCh37 (hg19) VCF-style: chr14-50117114-G-C.
Other names: c.1288C>G, p.Leu430Val (NM_001197330.2); c.1366C>G, p.Leu456Val (NM_001197331.3); c.1363C>G, p.Leu455Val (NM_001348384.2); c.1135C>G, p.Leu379Val (NM_001348385.2); c.1366C>G (NM_002692.3); short protein forms L379V, L430V, L455V, L456V.
Identifiers: ClinVar variation 1592162 (VCV001592162.12), dbSNP rs34574266, ClinGen allele CA7173287.